The following is an entry in ClinVar:

NM_001035.3(RYR2):c.1024G>A (p.Val342Met)

Gene: RYR2 (ryanodine receptor 2; plus strand). Cytogenetic location: 1q43.
Variant type: single nucleotide variant.
Coding change: c.1024G>A on transcript NM_001035.3 (MANE Select); coding-DNA position 1024, G replaced by A.
Protein change: p.Val342Met; replaces valine 342 with methionine.
Molecular consequence: missense variant.
Genome position (GRCh38, 1-based): chr1:237,441,337, G>A. VCF-style: chr1-237441337-G-A. GRCh37 (hg19) VCF-style: chr1-237604637-G-A.
Other names: c.1024G>A, p.Val342Met (LRG_402t1); short protein forms V342M.
Identifiers: ClinVar variation 567093 (VCV000567093.18), dbSNP rs371898166, ClinGen allele CA077002.
Genomic context (GRCh38, chr1:237,441,337, plus strand): 5'-TTTGAAATGTTTACTGACCTTTTTTTCCTCCTCTCCCCTTAGGAAAAATTGGATGTAGGG[G>A]TGAGAAAAGAAGTAGATGGCATGGGAACATCTGAAATAAAATACGGTGACTCAGTATGCT-3'
Protein context (NP_001026.2, residues 332-352): RSSKEKLDVG[Val342Met]RKEVDGMGTS

ClinVar aggregate classification (germline): Conflicting classifications of pathogenicity. Review status: criteria provided, conflicting classifications (1 of 4 stars). 5 submissions from 5 submitters: Uncertain significance (4); Likely benign (1). Last evaluated 2025-10-01.

Conditions:
Arrhythmogenic right ventricular dysplasia 2. Identifiers: MedGen C1832931.
Catecholaminergic polymorphic ventricular tachycardia 1. Also called: RYR2-Related Catecholaminergic Polymorphic Ventricular Tachycardia; VENTRICULAR TACHYCARDIA, CATECHOLAMINERGIC POLYMORPHIC, 1, WITH OR WITHOUT ATRIAL DYSFUNCTION AND/OR DILATED CARDIOMYOPATHY; VENTRICULAR TACHYCARDIA, STRESS-INDUCED POLYMORPHIC 1. Identifiers: Orphanet 3286, MedGen C1631597, MONDO:0011484, OMIM 604772.
Ventricular arrhythmias due to cardiac ryanodine receptor calcium release deficiency syndrome. Also called: Autosomal dominant cardiac arrhythmia (Kuhn). Identifiers: MedGen C5542154, MONDO:0020745, OMIM 115000.
Catecholaminergic polymorphic ventricular tachycardia (CVPT). Also called: Catecholamine-induced polymorphic ventricular tachycardia. Identifiers: Orphanet 3286, MedGen C5574922, MONDO:0017990.
Cardiovascular phenotype. Identifiers: MedGen CN230736.

Allele frequency attached by ClinVar (database versions not stated): gnomAD exomes below 0.00001; ExAC 0.00001; gnomAD 0.00002 and 0.00003; TOPMed 0.00003; ESP Exome Variant Server 0.00017.
gnomAD v4.1: 3 of 1,613,504 alleles (0.00019%); highest among the groups gnomAD compares: African/African-American, 0.004%; no homozygotes.

Submissions (5):

Labcorp Genetics (formerly Invitae), Labcorp
Classification: Likely benign for Catecholaminergic polymorphic ventricular tachycardia 1. Last evaluated: 2025-10-01. Review status: criteria provided, single submitter. Criteria: Invitae Variant Classification Sherloc (09022015). Collection method: clinical testing. Allele origin: germline.

GeneDx
Classification: Uncertain significance. Last evaluated: 2025-05-12. Review status: criteria provided, single submitter. Criteria: GeneDx Variant Classification Process June 2021. Collection method: clinical testing. Allele origin: germline. Affected: yes.
Comment: Not observed at significant frequency in large population cohorts (gnomAD); In silico analysis suggests that this missense variant does not alter protein structure/function; Has not been previously published as pathogenic or benign to our knowledge; Located in one of the three hot-spot regions of the RYR2 gene, where the majority of pathogenic missense variants occur (PMID: 19926015); This variant is associated with the following publications: (PMID: 19926015)

All of Us Research Program, National Institutes of Health
Classification: Uncertain significance for Catecholaminergic polymorphic ventricular tachycardia. Last evaluated: 2024-08-23. Review status: criteria provided, single submitter. Criteria: ACMG Guidelines, 2015. Collection method: clinical testing. Allele origin: germline. Inheritance: Autosomal dominant inheritance. Observed: 5 variant alleles, 5 heterozygotes.
Comment: This missense variant replaces valine with methionine at codon 342 of the RYR2 protein. Computational prediction suggests that this variant may not impact protein structure and function (internally defined REVEL score threshold <= 0.5, PMID: 27666373). To our knowledge, functional studies have not been reported for this variant. This variant has not been reported in individuals affected with RYR2-related disorders in the literature. This variant has been identified in 2/280328 chromosomes in the general population by the Genome Aggregation Database (gnomAD). The available evidence is insufficient to determine the role of this variant in disease conclusively. Therefore, this variant is classified as a Variant of Uncertain Significance.

This study involves interpretation of variants in research participants for the purpose of population health screening. Participant phenotype was not available at the time of variant classification. Additional details can be found in publication PMID: 35346344, PMCID: PMC8962531

Ambry Genetics
Classification: Uncertain significance for Cardiovascular phenotype. Last evaluated: 2021-12-14. Review status: criteria provided, single submitter. Criteria: Ambry Variant Classification Scheme 2023. Collection method: clinical testing. Allele origin: germline.
Comment: The p.V342M variant (also known as c.1024G>A), located in coding exon 13 of the RYR2 gene, results from a G to A substitution at nucleotide position 1024. The valine at codon 342 is replaced by methionine, an amino acid with highly similar properties. This amino acid position is poorly conserved in available vertebrate species. In addition, this alteration is predicted to be tolerated by in silico analysis. Since supporting evidence is limited at this time, the clinical significance of this alteration remains unclear.

Fulgent Genetics
Classification: Uncertain significance for Ventricular arrhythmias due to cardiac ryanodine receptor calcium release deficiency syndrome; Catecholaminergic polymorphic ventricular tachycardia 1. Last evaluated: 2021-10-19. Review status: criteria provided, single submitter. Criteria: ACMG Guidelines, 2015. Collection method: clinical testing. Allele origin: unknown.